The following is an entry in ClinVar:

ClinVar aggregate classification (germline): Likely pathogenic (1 of 4 stars; one submission).

Conditions:
CHARGE syndrome (CHARGE). Also called: Coloboma, heart anomaly, choanal atresia, retardation, genital and ear anomalies; CHARGE association; Hall-Hittner syndrome; Hittner Hirsch Kreh syndrome; CHARGE ASSOCIATION--COLOBOMA, HEART ANOMALY, CHOANAL ATRESIA, RETARDATION, GENITAL AND EAR ANOMALIES. Identifiers: Orphanet 138, MedGen C0265354, MONDO:0008965.

Submission:

Greenwood Genetic Center Diagnostic Laboratories, Greenwood Genetic Center
Classification: Likely pathogenic for CHD7-related CHARGE syndrome. Last evaluated: 2022-06-03. Review status: criteria provided, single submitter. Criteria: ACMG Guidelines, 2015. Collection method: clinical testing. Allele origin: germline. Affected: yes.
Comment: PVS1, PM2

NM_017780.4(CHD7):c.3478del (p.Thr1160fs)

Gene: CHD7 (chromodomain helicase DNA binding protein 7; plus strand). Cytogenetic location: 8q12.2.
Variant type: Deletion.
Coding change: c.3478del on transcript NM_017780.4 (MANE Select); coding-DNA position 3478, one base deleted (A; older notation c.3478delA).
Protein change: p.Thr1160fs; shifts the reading frame from threonine 1160.
Molecular consequence: frameshift variant. On other transcripts: intron variant (1).
Genome position (GRCh38, 1-based): chr8:60,828,762, A deleted; the last of 3 consecutive A bases (chr8:60,828,760-60,828,762); deleting any one gives the same sequence. VCF-style (leftmost placement, unchanged base first): chr8-60828759-GA-G. GRCh37 (hg19) VCF-style: chr8-61741318-GA-G.
Other names: c.1717-33467del (NM_001316690.1); short protein forms T1160fs.
Identifiers: ClinVar variation 1703092 (VCV001703092.3), dbSNP rs2487844058, ClinGen allele CA2580078480.